The following is an entry in ClinVar:

ClinVar aggregate classification (germline): Uncertain significance. Review status: criteria provided, multiple submitters, no conflicts (2 of 4 stars). 2 submissions from 2 submitters: Uncertain significance (2). Last evaluated 2025-11-05.

Conditions:
Hereditary cancer-predisposing syndrome. Also called: Tumor predisposition; Hereditary neoplastic syndrome; Neoplastic Syndromes, Hereditary; Hereditary Cancer Syndrome. Identifiers: Orphanet 140162, MedGen C0027672, MeSH D009386, MONDO:0015356.

Allele frequency attached by ClinVar (database versions not stated): gnomAD exomes below 0.00001.
gnomAD v4.1: 1 of 1,614,026 alleles (0.000062%); highest among the groups gnomAD compares: Non-Finnish European, 0.000085%; no homozygotes.

Submissions (2):

Labcorp Genetics (formerly Invitae), Labcorp
Classification: Uncertain significance. Last evaluated: 2025-11-05. Review status: criteria provided, single submitter. Criteria: Invitae Variant Classification Sherloc (09022015). Collection method: clinical testing. Allele origin: germline.
Comment: This sequence change replaces lysine, which is basic and polar, with glutamic acid, which is acidic and polar, at codon 1085 of the MSH3 protein (p.Lys1085Glu). This variant is not present in population databases (gnomAD no frequency). This variant has not been reported in the literature in individuals affected with MSH3-related conditions. ClinVar contains an entry for this variant (Variation ID: 664173). An algorithm developed to predict the effect of missense changes on protein structure and function (PolyPhen-2) suggests that this variant is likely to be disruptive. In summary, the available evidence is currently insufficient to determine the role of this variant in disease. Therefore, it has been classified as a Variant of Uncertain Significance.

Ambry Genetics
Classification: Uncertain significance for Hereditary cancer-predisposing syndrome. Last evaluated: 2023-12-14. Review status: criteria provided, single submitter. Criteria: Ambry Variant Classification Scheme 2023. Collection method: clinical testing. Allele origin: germline.
Comment: The p.K1085E variant (also known as c.3253A>G), located in coding exon 23 of the MSH3 gene, results from an A to G substitution at nucleotide position 3253. The lysine at codon 1085 is replaced by glutamic acid, an amino acid with similar properties. This amino acid position is conserved. In addition, the in silico prediction for this alteration is inconclusive. Since supporting evidence is limited at this time, the clinical significance of this alteration remains unclear.

NM_002439.5(MSH3):c.3253A>G (p.Lys1085Glu)

Gene: MSH3 (mutS homolog 3; plus strand). Cytogenetic location: 5q14.1.
Variant type: single nucleotide variant.
Coding change: c.3253A>G on transcript NM_002439.5 (MANE Select); coding-DNA position 3253, A replaced by G.
Protein change: p.Lys1085Glu; replaces lysine 1085 with glutamic acid.
Molecular consequence: missense variant.
Genome position (GRCh38, 1-based): chr5:80,873,238, A>G. VCF-style: chr5-80873238-A-G. GRCh37 (hg19) VCF-style: chr5-80169057-A-G.
Other names: short protein forms K1085E.
Identifiers: ClinVar variation 664173 (VCV000664173.11), dbSNP rs1580104425, ClinGen allele CA360347035.